The following is an entry in ClinVar:

NM_004706.4(ARHGEF1):c.629C>T (p.Thr210Ile)

Gene: ARHGEF1 (Rho guanine nucleotide exchange factor 1; plus strand). Cytogenetic location: 19q13.2.
Variant type: single nucleotide variant.
Coding change: c.629C>T on transcript NM_004706.4 (MANE Select); coding-DNA position 629, C replaced by T.
Protein change: p.Thr210Ile; replaces threonine 210 with isoleucine.
Molecular consequence: missense variant.
Genome position (GRCh38, 1-based): chr19:41,893,288, C>T. VCF-style: chr19-41893288-C-T. GRCh37 (hg19) VCF-style: chr19-42397359-C-T.
Other names: c.530C>T, p.Thr177Ile (NM_198977.2); c.674C>T, p.Thr225Ile (NM_199002.2); c.674C>T (NM_199002.1); short protein forms T177I, T210I, T225I.
Identifiers: ClinVar variation 1176076 (VCV001176076.41), dbSNP rs1415067389, ClinGen allele CA406050763.

ClinVar aggregate classification (germline): Uncertain significance. Review status: criteria provided, multiple submitters, no conflicts (2 of 4 stars). 3 submissions from 3 submitters: Uncertain significance (3). Last evaluated 2025-03-04.

Allele frequency attached by ClinVar (database versions not stated): gnomAD 0.00001; gnomAD exomes 0.00001; TOPMed 0.00004.
gnomAD v4.1: 7 of 1,610,730 alleles (0.00043%); highest among the groups gnomAD compares: Admixed American, 0.0017%; no homozygotes.

Submissions (3):

Labcorp Genetics (formerly Invitae), Labcorp
Classification: Uncertain significance. Last evaluated: 2025-03-04. Review status: criteria provided, single submitter. Criteria: Invitae Variant Classification Sherloc (09022015). Collection method: clinical testing. Allele origin: germline.
Comment: This sequence change replaces threonine, which is neutral and polar, with isoleucine, which is neutral and non-polar, at codon 225 of the ARHGEF1 protein (p.Thr225Ile). This variant is present in population databases (no rsID available, gnomAD 0.003%). This variant has not been reported in the literature in individuals affected with ARHGEF1-related conditions. ClinVar contains an entry for this variant (Variation ID: 1176076). An algorithm developed to predict the effect of missense changes on protein structure and function (PolyPhen-2) suggests that this variant is likely to be tolerated. In summary, the available evidence is currently insufficient to determine the role of this variant in disease. Therefore, it has been classified as a Variant of Uncertain Significance.

Ambry Genetics
Classification: Uncertain significance. Last evaluated: 2022-06-24. Review status: criteria provided, single submitter. Criteria: Ambry Variant Classification Scheme 2023. Collection method: clinical testing. Allele origin: germline.

CeGaT Center for Human Genetics Tuebingen
Classification: Uncertain significance. Last evaluated: 2021-04-01. Review status: criteria provided, single submitter. Criteria: CeGaT Center For Human Genetics Tuebingen Variant Classification Criteria Version 2. Collection method: clinical testing. Allele origin: germline. Affected: yes. Observed: 1 variant allele.